The following is an entry in ClinVar:

ClinVar aggregate classification (germline): Uncertain significance. Review status: criteria provided, multiple submitters, no conflicts (2 of 4 stars). 2 submissions from 2 submitters: Uncertain significance (2). Last evaluated 2024-05-25.

Conditions:
Hereditary cancer-predisposing syndrome. Also called: Neoplastic Syndromes, Hereditary; Hereditary Cancer Syndrome; Hereditary neoplastic syndrome; Tumor predisposition. Identifiers: Orphanet 140162, MedGen C0027672, MeSH D009386, MONDO:0015356.

Submissions (2):

Ambry Genetics
Classification: Uncertain significance for Hereditary cancer-predisposing syndrome. Last evaluated: 2024-05-25. Review status: criteria provided, single submitter. Criteria: Ambry Variant Classification Scheme 2023. Collection method: clinical testing. Allele origin: germline.
Comment: The p.P147A variant (also known as c.439C>G), located in coding exon 3 of the MSH3 gene, results from a C to G substitution at nucleotide position 439. The proline at codon 147 is replaced by alanine, an amino acid with highly similar properties. This amino acid position is conserved. In addition, this alteration is predicted to be tolerated by in silico analysis. Based on the available evidence, the clinical significance of this variant remains unclear.

Labcorp Genetics (formerly Invitae), Labcorp
Classification: Uncertain significance. Last evaluated: 2021-09-21. Review status: criteria provided, single submitter. Criteria: Invitae Variant Classification Sherloc (09022015). Collection method: clinical testing. Allele origin: germline.
Comment: This sequence change replaces proline with alanine at codon 147 of the MSH3 protein (p.Pro147Ala). The proline residue is moderately conserved and there is a small physicochemical difference between proline and alanine. In summary, the available evidence is currently insufficient to determine the role of this variant in disease. Therefore, it has been classified as a Variant of Uncertain Significance. Algorithms developed to predict the effect of missense changes on protein structure and function (SIFT, PolyPhen-2, Align-GVGD) all suggest that this variant is likely to be tolerated. This variant has not been reported in the literature in individuals affected with MSH3-related conditions. This variant is not present in population databases (ExAC no frequency).

NM_002439.5(MSH3):c.439C>G (p.Pro147Ala)

Gene: MSH3 (mutS homolog 3; plus strand). Cytogenetic location: 5q14.1.
Variant type: single nucleotide variant.
Coding change: c.439C>G on transcript NM_002439.5 (MANE Select); coding-DNA position 439, C replaced by G.
Protein change: p.Pro147Ala; replaces proline 147 with alanine.
Molecular consequence: missense variant.
Genome position (GRCh38, 1-based): chr5:80,665,223, C>G. VCF-style: chr5-80665223-C-G. GRCh37 (hg19) VCF-style: chr5-79961042-C-G.
Other names: c.439C>G (NM_002439.3); short protein forms P147A.
Identifiers: ClinVar variation 1437924 (VCV001437924.7), dbSNP rs977366961, ClinGen allele CA360263422.